The following is an entry in ClinVar:

ClinVar aggregate classification (germline): Uncertain significance. Review status: criteria provided, multiple submitters, no conflicts (2 of 4 stars). 3 submissions from 3 submitters: Uncertain significance (3). Last evaluated 2025-10-22.

Conditions:
Inborn genetic diseases. Identifiers: MedGen C0950123, MeSH D030342.
Polydactyly of a triphalangeal thumb. Also called: Polydactyly, preaxial type II; POLYDACTYLY OF TRIPHALANGEAL THUMB; TRIPHALANGEAL THUMB-POLYDACTYLY SYNDROME. Identifiers: Orphanet 2439, Orphanet 2950, Orphanet 93336, MedGen C1868114, MONDO:0008270, OMIM 174500.

Allele frequency attached by ClinVar (database versions not stated): gnomAD 0.00004 and 0.00005; gnomAD exomes 0.00004 and 0.00003; ExAC 0.00006; 1000 Genomes Project 30x 0.00016; 1000 Genomes Project 0.00020; TOPMed 0.00003.
gnomAD v4.1: 51 of 1,606,500 alleles (0.0032%); highest among the groups gnomAD compares: Non-Finnish European, 0.0034%; no homozygotes.

Submissions (4):

Labcorp Genetics (formerly Invitae), Labcorp
Classification: Uncertain significance. Last evaluated: 2025-10-22. Review status: criteria provided, single submitter. Criteria: Invitae Variant Classification Sherloc (09022015). Collection method: clinical testing. Allele origin: germline.
Comment: This sequence change replaces asparagine, which is neutral and polar, with serine, which is neutral and polar, at codon 117 of the LMBR1 protein (p.Asn117Ser). This variant is present in population databases (rs568570543, gnomAD 0.02%). This variant has not been reported in the literature in individuals affected with LMBR1-related conditions. ClinVar contains an entry for this variant (Variation ID: 359435). Invitae Evidence Modeling of protein sequence and biophysical properties (such as structural, functional, and spatial information, amino acid conservation, physicochemical variation, residue mobility, and thermodynamic stability) has been performed for this missense variant. However, the output from this modeling did not meet the statistical confidence thresholds required to predict the impact of this variant on LMBR1 protein function. In summary, the available evidence is currently insufficient to determine the role of this variant in disease. Therefore, it has been classified as a Variant of Uncertain Significance.

Ambry Genetics
Classification: Uncertain significance for Inborn genetic diseases. Last evaluated: 2022-12-27. Review status: criteria provided, single submitter. Criteria: Ambry Variant Classification Scheme 2023. Collection method: clinical testing. Allele origin: germline.

Illumina Laboratory Services, Illumina
Classification: Uncertain significance for Polydactyly of a triphalangeal thumb. Last evaluated: 2018-01-13. Review status: criteria provided, single submitter. Criteria: ICSL Variant Classification Criteria 13 December 2019. Collection method: clinical testing. Allele origin: germline.

Dr. Peter K. Rogan Lab, Western University
No classification provided (evidence only). Condition: Gastric cancer. Review status: no classification provided. Collection method: in vitro. Allele origin: not applicable. Functional consequence: retained intron. Not counted in ClinVar's aggregate classification.

NM_022458.4(LMBR1):c.350A>G (p.Asn117Ser)

Gene: LMBR1 (limb development membrane protein 1; minus strand). Cytogenetic location: 7q36.3.
Variant type: single nucleotide variant.
Coding change: c.350A>G on transcript NM_022458.4 (MANE Select); coding-DNA position 350, A replaced by G.
Protein change: p.Asn117Ser; replaces asparagine 117 with serine.
Molecular consequence: missense variant. On other transcripts: 5 prime UTR variant (6), non-coding transcript variant (2).
Genome position (GRCh38, 1-based): chr7:156,796,462, T>C on the plus strand (A>G on the coding strand, the complement: LMBR1 is on the minus strand). VCF-style: chr7-156796462-T-C. GRCh37 (hg19) VCF-style: chr7-156589156-T-C.
Other names: c.350A>G, p.Asn117Ser (NM_001350953.2, NM_001363409.2, NM_001363410.2); c.71A>G, p.Asn24Ser (NM_001350954.2); c.-185A>G (NM_001350955.2, NM_001350956.2, NM_001350958.2 and 1 more transcripts); c.-20A>G (NM_001350957.2, NM_001363411.2); c.287A>G, p.Asn96Ser (NM_001363412.2); short protein forms N117S, N24S, N96S.
Identifiers: ClinVar variation 359435 (VCV000359435.11), dbSNP rs568570543, ClinGen allele CA4588154.
Genomic context (GRCh38, chr7:156,796,462, plus strand): 5'-GCAAAGCCTTCTGATTCCAGAAAGAAAAAGGCAAAGGGCATCAATACAAATAAACAAAGG[T>C]TGGAAAAAAGGGAAGCAAGATTCCACAAACCTATAAAAAGGGTAACAAGAAAAGAAGAAA-3'
Protein context (NP_071903.2, residues 107-127): GLWNLASLFS[Asn117Ser]LCLFVLMPFA